The following is an entry in ClinVar:

NM_032043.3(BRIP1):c.2293G>A (p.Val765Met)

Gene: BRIP1 (BRCA1 interacting DNA helicase 1; minus strand). Cytogenetic location: 17q23.2.
Variant type: single nucleotide variant.
Coding change: c.2293G>A on transcript NM_032043.3 (MANE Select); coding-DNA position 2293, G replaced by A.
Protein change: p.Val765Met; replaces valine 765 with methionine.
Molecular consequence: missense variant.
Genome position (GRCh38, 1-based): chr17:61,743,099, C>T on the plus strand (G>A on the coding strand, the complement: BRIP1 is on the minus strand). VCF-style: chr17-61743099-C-T. GRCh37 (hg19) VCF-style: chr17-59820460-C-T.
Other names: short protein forms V765M.
Identifiers: ClinVar variation 483187 (VCV000483187.9), dbSNP rs1555590489, ClinGen allele CA400482700.
Genomic context (GRCh38, chr17:61,743,099, plus strand): 5'-GAATTCCTATTGTTATGACAGCACGGGCATTGTCATCTGAGAAATCCAGACCCTCACTCA[C>T]TTTACCACGACAAACTGCTACCAGGAGAGCTCCATCTTAAACAACAGAAAAAAGCATATC-3'
Protein context (NP_114432.2, residues 755-775): ALLVAVCRGK[Val765Met]SEGLDFSDDN

ClinVar aggregate classification (germline): Uncertain significance. Review status: criteria provided, multiple submitters, no conflicts (2 of 4 stars). 2 submissions from 2 submitters: Uncertain significance (2). Last evaluated 2021-11-03.

Conditions:
Hereditary cancer-predisposing syndrome. Also called: Neoplastic Syndromes, Hereditary; Tumor predisposition; Hereditary Cancer Syndrome; Hereditary neoplastic syndrome. Identifiers: Orphanet 140162, MedGen C0027672, MeSH D009386, MONDO:0015356.

Submissions (2):

Institute for Clinical Genetics, University Hospital TU Dresden, University Hospital TU Dresden
Classification: Uncertain significance. Last evaluated: 2021-11-03. Review status: criteria provided, single submitter. Criteria: ACMG Guidelines, 2015. Collection method: clinical testing. Allele origin: germline.

Ambry Genetics
Classification: Uncertain significance for Hereditary cancer-predisposing syndrome. Last evaluated: 2017-01-20. Review status: criteria provided, single submitter. Criteria: Ambry Variant Classification Scheme 2023. Collection method: clinical testing. Allele origin: germline.
Comment: The p.V765M variant (also known as c.2293G>A), located in coding exon 15 of the BRIP1 gene, results from a G to A substitution at nucleotide position 2293. The valine at codon 765 is replaced by methionine, an amino acid with highly similar properties. This amino acid position is highly conserved in available vertebrate species. In addition, this alteration is predicted to be deleterious by in silico analysis. Since supporting evidence is limited at this time, the clinical significance of this alteration remains unclear.